The following is an entry in ClinVar:

ClinVar aggregate classification (germline): Likely benign (0 of 4 stars; one submission).

Conditions:
TBX3-related disorder. Also called: TBX3-related condition.

Submission:

PreventionGenetics, part of Exact Sciences
Classification: Likely benign for TBX3-related condition. Last evaluated: 2024-04-25. Review status: no assertion criteria provided. Collection method: clinical testing. Allele origin: germline.
Comment: This variant is classified as likely benign based on ACMG/AMP sequence variant interpretation guidelines (Richards et al. 2015 PMID: 25741868, with internal and published modifications).

NM_005996.4(TBX3):c.1854G>A (p.Leu618=)

Gene: TBX3 (T-box transcription factor 3; minus strand). Cytogenetic location: 12q24.21.
Variant type: single nucleotide variant.
Coding change: c.1854G>A on transcript NM_005996.4 (MANE Select); coding-DNA position 1854, G replaced by A.
Protein change: p.Leu618=; no amino-acid change (leucine 618 retained).
Molecular consequence: synonymous variant.
Genome position (GRCh38, 1-based): chr12:114,672,159, C>T on the plus strand (G>A on the coding strand, the complement: TBX3 is on the minus strand). VCF-style: chr12-114672159-C-T. GRCh37 (hg19) VCF-style: chr12-115109964-C-T.
Other names: c.1914G>A, p.Leu638= (NM_016569.4).
Identifiers: ClinVar variation 3347456 (VCV003347456.1).